The following is an entry in ClinVar:

NM_007078.3(LDB3):c.1186C>G (p.Arg396Gly)

Gene: LDB3 (LIM domain binding 3; plus strand). Cytogenetic location: 10q23.2.
Variant type: single nucleotide variant.
Coding change: c.1186C>G on transcript NM_007078.3 (MANE Select); coding-DNA position 1186, C replaced by G.
Protein change: p.Arg396Gly; replaces arginine 396 with glycine.
Molecular consequence: missense variant.
Genome position (GRCh38, 1-based): chr10:86,710,005, C>G. VCF-style: chr10-86710005-C-G. GRCh37 (hg19) VCF-style: chr10-88469762-C-G.
Other names: c.856C>G, p.Arg286Gly (NM_001080114.2); c.1201C>G, p.Arg401Gly (NM_001171610.2); c.997C>G, p.Arg333Gly (NM_001368064.1, NM_001368065.1); c.1045C>G, p.Arg349Gly (NM_001368066.1); short protein forms R401G, R396G, R286G, R333G, R349G.
Identifiers: ClinVar variation 1971881 (VCV001971881.5), dbSNP rs1381057453, ClinGen allele CA377448558.
Genomic context (GRCh38, chr10:86,710,005, plus strand): 5'-TCAGCACCTGCCACCCACACCAGCTACAGTGAGGGCCCCGCCGCCCCTGCACCCAAGCCC[C>G]GGGTTGTCACCACTGCCAGCATCCGGCCTTCTGTCTACCAGCCAGGTAAGAGGCAGAGCA-3'
Protein context (NP_009009.1, residues 386-406): EGPAAPAPKP[Arg396Gly]VVTTASIRPS

ClinVar aggregate classification (germline): Uncertain significance (1 of 4 stars; one submission).

Conditions:
Myofibrillar myopathy 4. Also called: Zaspopathy (type). Identifiers: Orphanet 98912, MedGen C4721886, MONDO:0012277, OMIM 609452.

gnomAD v4.1: 1 of 1,613,080 alleles (0.000062%); highest among the groups gnomAD compares: Non-Finnish European, 0.000085%; no homozygotes.

Submission:

Labcorp Genetics (formerly Invitae), Labcorp
Classification: Uncertain significance for Myofibrillar myopathy 4. Last evaluated: 2024-03-18. Review status: criteria provided, single submitter. Criteria: Invitae Variant Classification Sherloc (09022015). Collection method: clinical testing. Allele origin: germline.
Comment: The LDB3 gene has multiple clinically relevant transcripts. This variant occurs in alternate transcript NM_007078.3, and corresponds to NM_001080116.1:c.*10631C>G in the primary transcript. This sequence change replaces arginine, which is basic and polar, with glycine, which is neutral and non-polar, at codon 396 of the LDB3 protein (p.Arg396Gly). This variant is not present in population databases (gnomAD no frequency). This variant has not been reported in the literature in individuals affected with LDB3-related conditions. Experimental studies and prediction algorithms are not available or were not evaluated, and the functional significance of this variant is currently unknown. In summary, the available evidence is currently insufficient to determine the role of this variant in disease. Therefore, it has been classified as a Variant of Uncertain Significance.